The following is an entry in ClinVar:

ClinVar aggregate classification (germline): Likely benign. Review status: criteria provided, multiple submitters, no conflicts (2 of 4 stars). 2 submissions from 2 submitters: Likely benign (2). Last evaluated 2026-06-01.

Allele frequency attached by ClinVar (database versions not stated): gnomAD 0.00004 and 0.00005; ExAC 0.00011; TOPMed 0.00015; 1000 Genomes Project 30x 0.00016; gnomAD exomes 0.00019; 1000 Genomes Project 0.00020.

Submissions (2):

CeGaT Center for Human Genetics Tuebingen
Classification: Likely benign. Last evaluated: 2026-06-01. Review status: criteria provided, single submitter. Criteria: CeGaT Center For Human Genetics Tuebingen Variant Classification Criteria Version 2. Collection method: clinical testing. Allele origin: germline. Affected: yes. Observed: 1 variant allele.
Comment: LAT: BP4, BP7

Labcorp Genetics (formerly Invitae), Labcorp
Classification: Likely benign. Last evaluated: 2025-04-14. Review status: criteria provided, single submitter. Criteria: Invitae Variant Classification Sherloc (09022015). Collection method: clinical testing. Allele origin: germline.

NM_001014987.2(LAT):c.255G>A (p.Pro85=)

Gene: LAT (linker for activation of T cells; plus strand). Cytogenetic location: 16p11.2.
Variant type: single nucleotide variant.
Coding change: c.255G>A on transcript NM_001014987.2 (MANE Select); coding-DNA position 255, G replaced by A.
Protein change: p.Pro85=; no amino-acid change (proline 85 retained).
Molecular consequence: synonymous variant.
Genome position (GRCh38, 1-based): chr16:28,986,391, G>A. VCF-style: chr16-28986391-G-A. GRCh37 (hg19) VCF-style: chr16-28997712-G-A.
Other names: c.252G>A, p.Pro84= (NM_001014988.2); c.363G>A, p.Pro121= (NM_001014989.2); c.255G>A, p.Pro85= (NM_014387.4).
Identifiers: ClinVar variation 1592590 (VCV001592590.10), dbSNP rs200258693, ClinGen allele CA7989915.